The following is an entry in ClinVar:

NM_033360.4(KRAS):c.*1758_*1759del

Gene: KRAS (KRas proto-oncogene, GTPase; minus strand). Cytogenetic location: 12p12.1.
Variant type: Deletion.
Coding change: c.*1758_*1759del on transcript NM_033360.4 (MANE Plus Clinical); 1758 bases downstream of the stop codon through 1759 bases downstream of the stop codon, 2 bases deleted (TA; older notation c.*1758_*1759delTA).
Molecular consequence: 3 prime UTR variant.
Genome position (GRCh38, 1-based): chr12:25,208,157-25,208,158, TA deleted on the plus strand (TA on the coding strand, the reverse complement: KRAS is on the minus strand). VCF-style (leftmost placement, unchanged base first): chr12-25208156-TTA-T. GRCh37 (hg19) VCF-style: chr12-25361090-TTA-T.
Other names: c.*1758_*1759del (NM_001369786.1, LRG_344t2); c.*1637_*1638del (NM_001369787.1, NM_004985.5, LRG_344t1).
Identifiers: ClinVar variation 308101 (VCV000308101.29), dbSNP rs535478558, ClinGen allele CA10632479.

ClinVar aggregate classification (germline): Benign (1 of 4 stars; one submission).

Allele frequency attached by ClinVar (database versions not stated): gnomAD exomes 0.00062; gnomAD 0.00432 and 0.00456; 1000 Genomes Project 0.00439; 1000 Genomes Project 30x 0.00484.

Submission:

CeGaT Center for Human Genetics Tuebingen
Classification: Benign. Last evaluated: 2022-08-01. Review status: criteria provided, single submitter. Criteria: CeGaT Center For Human Genetics Tuebingen Variant Classification Criteria Version 2. Collection method: clinical testing. Allele origin: germline. Affected: yes. Observed: 1 variant allele.
Comment: KRAS: BS1, BS2